The following is an entry in ClinVar:

ClinVar aggregate classification (germline): Uncertain significance (1 of 4 stars; one submission).

Submission:

Labcorp Genetics (formerly Invitae), Labcorp
Classification: Uncertain significance. Last evaluated: 2022-11-01. Review status: criteria provided, single submitter. Criteria: Invitae Variant Classification Sherloc (09022015). Collection method: clinical testing. Allele origin: germline.
Comment: In summary, the available evidence is currently insufficient to determine the role of this variant in disease. Therefore, it has been classified as a Variant of Uncertain Significance. Algorithms developed to predict the effect of missense changes on protein structure and function are either unavailable or do not agree on the potential impact of this missense change (SIFT: "Deleterious"; PolyPhen-2: "Possibly Damaging"; Align-GVGD: "Class C0"). This variant has not been reported in the literature in individuals affected with IMPG1-related conditions. This variant is not present in population databases (gnomAD no frequency). This sequence change replaces valine, which is neutral and non-polar, with alanine, which is neutral and non-polar, at codon 700 of the IMPG1 protein (p.Val700Ala).

NM_001563.4(IMPG1):c.2099T>C (p.Val700Ala)

Gene: IMPG1 (interphotoreceptor matrix proteoglycan 1; minus strand). Cytogenetic location: 6q14.1.
Variant type: single nucleotide variant.
Coding change: c.2099T>C on transcript NM_001563.4 (MANE Select); coding-DNA position 2099, T replaced by C.
Protein change: p.Val700Ala; replaces valine 700 with alanine.
Molecular consequence: missense variant.
Genome position (GRCh38, 1-based): chr6:75,931,097, A>G on the plus strand (T>C on the coding strand, the complement: IMPG1 is on the minus strand). VCF-style: chr6-75931097-A-G. GRCh37 (hg19) VCF-style: chr6-76640814-A-G.
Other names: c.1865T>C, p.Val622Ala (NM_001282368.2); short protein forms V700A, V622A.
Identifiers: ClinVar variation 2015968 (VCV002015968.4), dbSNP rs2535869917, ClinGen allele CA364769932.